The following is an entry in ClinVar:

ClinVar aggregate classification (germline): Uncertain significance (1 of 4 stars; one submission).

Conditions:
DK1-congenital disorder of glycosylation. Also called: DK1-CDG; DOLK-congenital disorder of glycosylation; Carbohydrate deficient glycoprotein syndrome type 1m; DK1 DEFICIENCY; DOLICHOL KINASE DEFICIENCY; CONGENITAL DISORDER OF GLYCOSYLATION, TYPE Im. Identifiers: Orphanet 91131, MedGen C1835849, MONDO:0012556, OMIM 610768.

Allele frequency attached by ClinVar (database versions not stated): gnomAD exomes below 0.00001.

Submission:

Labcorp Genetics (formerly Invitae), Labcorp
Classification: Uncertain significance for DK1-congenital disorder of glycosylation. Last evaluated: 2022-03-18. Review status: criteria provided, single submitter. Criteria: Invitae Variant Classification Sherloc (09022015). Collection method: clinical testing. Allele origin: germline.
Comment: This sequence change creates a premature translational stop signal (p.Gln219Argfs*13) in the DOLK gene. While this is not anticipated to result in nonsense mediated decay, it is expected to disrupt the last 320 amino acid(s) of the DOLK protein. This variant is not present in population databases (gnomAD no frequency). This variant has not been reported in the literature in individuals affected with DOLK-related conditions. In summary, the available evidence is currently insufficient to determine the role of this variant in disease. Therefore, it has been classified as a Variant of Uncertain Significance.

NM_014908.4(DOLK):c.656del (p.Gln219fs)

Gene: DOLK (dolichol kinase; minus strand). Cytogenetic location: 9q34.11.
Variant type: Deletion.
Coding change: c.656del on transcript NM_014908.4 (MANE Select); coding-DNA position 656, one base deleted (A; older notation c.656delA).
Protein change: p.Gln219fs; shifts the reading frame from glutamine 219.
Molecular consequence: frameshift variant.
Genome position (GRCh38, 1-based): chr9:128,946,648, T deleted on the plus strand (A on the coding strand, the reverse complement: DOLK is on the minus strand). VCF-style (leftmost placement, unchanged base first): chr9-128946647-CT-C. GRCh37 (hg19) VCF-style: chr9-131708926-CT-C.
Other names: short protein forms Q219fs.
Identifiers: ClinVar variation 1502643 (VCV001502643.5), dbSNP rs2131128315, ClinGen allele CA2573143933.
Genomic context (GRCh38, chr9:128,946,647, plus strand): 5'-AATGCCCATGAGTACCATCCCTACTACCACCACCAGCAGGAAGAAGTCCACTGGGTCCCC[CT>C]GACTTTCCACCAGTGTCAGAGAGCGCTTGATGAGCTGGTTGAGGACAAAGCTAATGCCAC-3'